The following is an entry in ClinVar:

NM_005633.4(SOS1):c.1561G>A (p.Glu521Lys)

Gene: SOS1 (SOS Ras/Rac guanine nucleotide exchange factor 1; minus strand). Cytogenetic location: 2p22.1.
Variant type: single nucleotide variant.
Coding change: c.1561G>A on transcript NM_005633.4 (MANE Select); coding-DNA position 1561, G replaced by A.
Protein change: p.Glu521Lys; replaces glutamic acid 521 with lysine.
Molecular consequence: missense variant.
Genome position (GRCh38, 1-based): chr2:39,022,867, C>T on the plus strand (G>A on the coding strand, the complement: SOS1 is on the minus strand). VCF-style: chr2-39022867-C-T. GRCh37 (hg19) VCF-style: chr2-39250008-C-T.
Other names: c.1540G>A, p.Glu514Lys (NM_001382394.1); c.1561G>A, p.Glu521Lys (NM_001382395.1); short protein forms E514K, E521K.
Identifiers: ClinVar variation 3604983 (VCV003604983.2).

ClinVar aggregate classification (germline): Uncertain significance (1 of 4 stars; one submission).

Conditions:
RASopathy. Also called: Noonan spectrum disorder; rasopathies. Identifiers: Orphanet 536391, MedGen C5555857, MONDO:0021060.

gnomAD v4.1: 2 of 1,612,794 alleles (0.00012%); highest among the groups gnomAD compares: East Asian, 0.0022%; no homozygotes.

Submission:

Labcorp Genetics (formerly Invitae), Labcorp
Classification: Uncertain significance for RASopathy. Last evaluated: 2024-09-11. Review status: criteria provided, single submitter. Criteria: Invitae Variant Classification Sherloc (09022015). Collection method: clinical testing. Allele origin: germline.
Comment: This sequence change replaces glutamic acid, which is acidic and polar, with lysine, which is basic and polar, at codon 521 of the SOS1 protein (p.Glu521Lys). This variant is present in population databases (rs764275648, gnomAD 0.006%). This variant has not been reported in the literature in individuals affected with SOS1-related conditions. Invitae Evidence Modeling of protein sequence and biophysical properties (such as structural, functional, and spatial information, amino acid conservation, physicochemical variation, residue mobility, and thermodynamic stability) has been performed for this missense variant. However, the output from this modeling did not meet the statistical confidence thresholds required to predict the impact of this variant on SOS1 protein function. In summary, the available evidence is currently insufficient to determine the role of this variant in disease. Therefore, it has been classified as a Variant of Uncertain Significance.